The following is an entry in ClinVar:

NM_003331.5(TYK2):c.2047+1G>T

Gene: TYK2 (tyrosine kinase 2; minus strand). Cytogenetic location: 19p13.2.
Variant type: single nucleotide variant.
Coding change: c.2047+1G>T on transcript NM_003331.5 (MANE Select); the canonical splice donor site of the intron after coding-DNA position 2047, G replaced by T.
Molecular consequence: splice donor variant.
Genome position (GRCh38, 1-based): chr19:10,361,510, C>A on the plus strand (G>T on the coding strand, the complement: TYK2 is on the minus strand). VCF-style: chr19-10361510-C-A. GRCh37 (hg19) VCF-style: chr19-10472186-C-A.
Other names: c.1861+1G>T (NM_001385199.1); c.2047+1G>T (NM_001406461.1, NM_001385200.1, NM_001385198.1 and 3 more transcripts); c.1957+1G>T (NM_001385205.1); c.1849+1G>T (NM_001385201.1); c.1921+1G>T (NM_001385206.1); c.2029+1G>T (NM_001385207.1); c.1963+1G>T (NM_001385202.1).
Identifiers: ClinVar variation 1067902 (VCV001067902.9), dbSNP rs1568333687, ClinGen allele CA404001604.

ClinVar aggregate classification (germline): Likely pathogenic (1 of 4 stars; one submission).

Conditions:
Immunodeficiency 35 (IMD35). Also called: HIES WITH ATYPICAL MYCOBACTERIOSIS, AUTOSOMAL RECESSIVE; HYPER-IgE SYNDROME WITH ATYPICAL MYCOBACTERIOSIS, AUTOSOMAL RECESSIVE; TYK2 DEFICIENCY; Susceptibility to infection due to TYK2 deficiency. Identifiers: Orphanet 331226, MedGen C1969086, MONDO:0012682, OMIM 611521.

Allele frequency attached by ClinVar (database versions not stated): gnomAD exomes below 0.00001 and 0.00001.
gnomAD v4.1: 1 of 1,545,026 alleles (0.000065%); highest among the groups gnomAD compares: Non-Finnish European, 0.000087%; no homozygotes.

Submission:

Labcorp Genetics (formerly Invitae), Labcorp
Classification: Likely pathogenic for Immunodeficiency 35. Last evaluated: 2022-02-03. Review status: criteria provided, single submitter. Criteria: Invitae Variant Classification Sherloc (09022015). Collection method: clinical testing. Allele origin: germline.
Comment: This variant is not present in population databases (gnomAD no frequency). This sequence change affects a donor splice site in intron 14 of the TYK2 gene. It is expected to disrupt RNA splicing. Variants that disrupt the donor or acceptor splice site typically lead to a loss of protein function (PMID: 16199547), and loss-of-function variants in TYK2 are known to be pathogenic (PMID: 22402565, 26304966). This variant has not been reported in the literature in individuals affected with TYK2-related conditions. In summary, the currently available evidence indicates that the variant is pathogenic, but additional data are needed to prove that conclusively. Therefore, this variant has been classified as Likely Pathogenic. Algorithms developed to predict the effect of sequence changes on RNA splicing suggest that this variant may disrupt the consensus splice site. ClinVar contains an entry for this variant (Variation ID: 1067902).

Literature cited by the submitters: PubMed 16199547; PubMed 22402565; PubMed 26304966.